The following is an entry in ClinVar:

ClinVar aggregate classification (germline): Uncertain significance (1 of 4 stars; one submission).

Conditions:
Propionic acidemia (PROP). Also called: KETOTIC HYPERGLYCINEMIA; GLYCINEMIA, KETOTIC; HYPERGLYCINEMIA WITH KETOACIDOSIS AND LEUKOPENIA. Identifiers: Orphanet 35, MedGen C0268579, MONDO:0011628, OMIM 606054, HP:0003571.

Allele frequency attached by ClinVar (database versions not stated): gnomAD exomes below 0.00001.
gnomAD v4.1: 2 of 1,613,340 alleles (0.00012%); highest among the groups gnomAD compares: Non-Finnish European, 0.00017%; no homozygotes.

Submission:

Labcorp Genetics (formerly Invitae), Labcorp
Classification: Uncertain significance for Propionic acidemia. Last evaluated: 2023-12-11. Review status: criteria provided, single submitter. Criteria: Invitae Variant Classification Sherloc (09022015). Collection method: clinical testing. Allele origin: germline.
Comment: This sequence change replaces glycine, which is neutral and non-polar, with alanine, which is neutral and non-polar, at codon 467 of the PCCB protein (p.Gly467Ala). This variant is not present in population databases (gnomAD no frequency). This variant has not been reported in the literature in individuals affected with PCCB-related conditions. ClinVar contains an entry for this variant (Variation ID: 1411409). An algorithm developed to predict the effect of missense changes on protein structure and function (PolyPhen-2) suggests that this variant is likely to be tolerated. In summary, the available evidence is currently insufficient to determine the role of this variant in disease. Therefore, it has been classified as a Variant of Uncertain Significance.

NM_000532.5(PCCB):c.1400G>C (p.Gly467Ala)

Gene: PCCB (propionyl-CoA carboxylase subunit beta; plus strand). Cytogenetic location: 3q22.3.
Variant type: single nucleotide variant.
Coding change: c.1400G>C on transcript NM_000532.5 (MANE Select); coding-DNA position 1400, G replaced by C.
Protein change: p.Gly467Ala; replaces glycine 467 with alanine.
Molecular consequence: missense variant.
Genome position (GRCh38, 1-based): chr3:136,328,759, G>C. VCF-style: chr3-136328759-G-C. GRCh37 (hg19) VCF-style: chr3-136047601-G-C.
Other names: c.1460G>C, p.Gly487Ala (NM_001178014.2); short protein forms G467A, G487A.
Identifiers: ClinVar variation 1411409 (VCV001411409.6), dbSNP rs2108240251, ClinGen allele CA354649547.